The following is an entry in ClinVar:

ClinVar aggregate classification (germline): Uncertain significance (1 of 4 stars; one submission).

Conditions:
Joubert syndrome. Also called: CEREBELLOPARENCHYMAL DISORDER IV; JOUBERT-BOLTSHAUSER SYNDROME; Familial aplasia of the vermis. Identifiers: Orphanet 475, MedGen C5979921, MONDO:0018772.
Orofaciodigital syndrome I (OFD1). Also called: OFDS I; Papillon-Leage and Psaume Syndrome; Oral-Facial-Digital Syndrome Type I. Identifiers: Orphanet 2750, MedGen C1510460, MONDO:0010702, OMIM 311200.

Allele frequency attached by ClinVar (database versions not stated): gnomAD exomes below 0.00001.
gnomAD v4.1: 5 of 1,211,301 alleles (0.00041%); highest among the groups gnomAD compares: Non-Finnish European, 0.00045%; no homozygotes.

Submission:

Labcorp Genetics (formerly Invitae), Labcorp
Classification: Uncertain significance for Orofaciodigital syndrome I; Joubert syndrome. Last evaluated: 2022-04-22. Review status: criteria provided, single submitter. Criteria: Invitae Variant Classification Sherloc (09022015). Collection method: clinical testing. Allele origin: germline.
Comment: This variant has not been reported in the literature in individuals affected with OFD1-related conditions. In summary, the available evidence is currently insufficient to determine the role of this variant in disease. Therefore, it has been classified as a Variant of Uncertain Significance. Algorithms developed to predict the effect of missense changes on protein structure and function are either unavailable or do not agree on the potential impact of this missense change (SIFT: "Deleterious"; PolyPhen-2: "Possibly Damaging"; Align-GVGD: "Class C0"). This variant is not present in population databases (gnomAD no frequency). This sequence change replaces tyrosine, which is neutral and polar, with cysteine, which is neutral and slightly polar, at codon 916 of the OFD1 protein (p.Tyr916Cys).

NM_003611.3(OFD1):c.2747A>G (p.Tyr916Cys)

Gene: OFD1 (OFD1 centriole and centriolar satellite protein; plus strand). Cytogenetic location: Xp22.2.
Variant type: single nucleotide variant.
Coding change: c.2747A>G on transcript NM_003611.3 (MANE Select); coding-DNA position 2747, A replaced by G.
Protein change: p.Tyr916Cys; replaces tyrosine 916 with cysteine.
Molecular consequence: missense variant.
Genome position (GRCh38, 1-based): chrX:13,767,274, A>G. VCF-style: chrX-13767274-A-G. GRCh37 (hg19) VCF-style: chrX-13785393-A-G.
Other names: c.2627A>G, p.Tyr876Cys (NM_001330209.2); c.2327A>G, p.Tyr776Cys (NM_001330210.2); short protein forms Y776C, Y876C, Y916C.
Identifiers: ClinVar variation 2129320 (VCV002129320.4), dbSNP rs2048164977, ClinGen allele CA412312094.